The following is an entry in ClinVar:

ClinVar aggregate classification (germline): Uncertain significance (1 of 4 stars; one submission).

Submission:

Labcorp Genetics (formerly Invitae), Labcorp
Classification: Uncertain significance. Last evaluated: 2025-11-12. Review status: criteria provided, single submitter. Criteria: Invitae Variant Classification Sherloc (09022015). Collection method: clinical testing. Allele origin: germline.
Comment: This sequence change affects an acceptor splice site in intron 1 of the PSMG2 gene. It is expected to disrupt RNA splicing. Variants that disrupt the donor or acceptor splice site typically lead to a loss of protein function (PMID: 16199547), however the current clinical and genetic evidence is not sufficient to establish whether loss-of-function variants in PSMG2 cause disease. This variant is not present in population databases (gnomAD no frequency). This variant has not been reported in the literature in individuals affected with PSMG2-related conditions. Algorithms developed to predict the effect of sequence changes on RNA splicing suggest that this variant may disrupt the consensus splice site. In summary, the available evidence is currently insufficient to determine the role of this variant in disease. Therefore, it has been classified as a Variant of Uncertain Significance.

Literature cited by the submitters: PubMed 16199547.

NM_020232.5(PSMG2):c.58-1G>T

Gene: PSMG2 (proteasome assembly chaperone 2; plus strand). Cytogenetic location: 18p11.21.
Variant type: single nucleotide variant.
Coding change: c.58-1G>T on transcript NM_020232.5 (MANE Select); the canonical splice acceptor site of the intron before coding-DNA position 58, G replaced by T.
Molecular consequence: splice acceptor variant.
Genome position (GRCh38, 1-based): chr18:12,706,549, G>T. VCF-style: chr18-12706549-G-T. GRCh37 (hg19) VCF-style: chr18-12706548-G-T.
Other names: c.-36-1G>T (NM_147163.2).
Identifiers: ClinVar variation 4720988 (VCV004720988.1).